The following is an entry in ClinVar:

ClinVar aggregate classification (germline): Uncertain significance (1 of 4 stars; one submission).

Allele frequency attached by ClinVar (database versions not stated): gnomAD exomes below 0.00001.
gnomAD v4.1: 6 of 1,612,708 alleles (0.00037%); highest among the groups gnomAD compares: South Asian, 0.0055%; no homozygotes.

Submission:

Labcorp Genetics (formerly Invitae), Labcorp
Classification: Uncertain significance. Last evaluated: 2022-07-06. Review status: criteria provided, single submitter. Criteria: Invitae Variant Classification Sherloc (09022015). Collection method: clinical testing. Allele origin: germline.
Comment: Algorithms developed to predict the effect of missense changes on protein structure and function (SIFT, PolyPhen-2, Align-GVGD) all suggest that this variant is likely to be tolerated. This sequence change replaces threonine, which is neutral and polar, with isoleucine, which is neutral and non-polar, at codon 56 of the CARMIL2 protein (p.Thr56Ile). This variant is present in population databases (no rsID available, gnomAD 0.003%). This variant has not been reported in the literature in individuals affected with CARMIL2-related conditions. In summary, the available evidence is currently insufficient to determine the role of this variant in disease. Therefore, it has been classified as a Variant of Uncertain Significance.

NM_001013838.3(CARMIL2):c.167C>T (p.Thr56Ile)

Gene: CARMIL2 (capping protein regulator and myosin 1 linker 2; plus strand). Cytogenetic location: 16q22.1.
Variant type: single nucleotide variant.
Coding change: c.167C>T on transcript NM_001013838.3 (MANE Select); coding-DNA position 167, C replaced by T.
Protein change: p.Thr56Ile; replaces threonine 56 with isoleucine.
Molecular consequence: missense variant.
Genome position (GRCh38, 1-based): chr16:67,645,758, C>T. VCF-style: chr16-67645758-C-T. GRCh37 (hg19) VCF-style: chr16-67679661-C-T.
Other names: c.167C>T, p.Thr56Ile (NM_001317026.3); short protein forms T56I.
Identifiers: ClinVar variation 1950980 (VCV001950980.4), dbSNP rs747820861, ClinGen allele CA396330483.